The following is an entry in ClinVar:

ClinVar aggregate classification (germline): Uncertain significance (1 of 4 stars; one submission).

Allele frequency attached by ClinVar (database versions not stated): gnomAD exomes 0.00001; gnomAD 0.00003; TOPMed 0.00002; ExAC 0.00002; ESP Exome Variant Server 0.00008.
gnomAD v4.1: 11 of 1,607,292 alleles (0.00068%); highest among the groups gnomAD compares: African/African-American, 0.0013%; no homozygotes.

Submission:

Labcorp Genetics (formerly Invitae), Labcorp
Classification: Uncertain significance. Last evaluated: 2025-04-28. Review status: criteria provided, single submitter. Criteria: Invitae Variant Classification Sherloc (09022015). Collection method: clinical testing. Allele origin: germline.
Comment: This sequence change replaces valine, which is neutral and non-polar, with isoleucine, which is neutral and non-polar, at codon 230 of the INTU protein (p.Val230Ile). This variant is present in population databases (rs369166911, gnomAD 0.004%). This variant has not been reported in the literature in individuals affected with INTU-related conditions. ClinVar contains an entry for this variant (Variation ID: 2718736). Invitae Evidence Modeling of protein sequence and biophysical properties (such as structural, functional, and spatial information, amino acid conservation, physicochemical variation, residue mobility, and thermodynamic stability) indicates that this missense variant is not expected to disrupt INTU protein function with a negative predictive value of 80%. In summary, the available evidence is currently insufficient to determine the role of this variant in disease. Therefore, it has been classified as a Variant of Uncertain Significance.

NM_015693.4(INTU):c.688G>A (p.Val230Ile)

Gene: INTU (inturned planar cell polarity protein; plus strand). Cytogenetic location: 4q28.1.
Variant type: single nucleotide variant.
Coding change: c.688G>A on transcript NM_015693.4 (MANE Select); coding-DNA position 688, G replaced by A.
Protein change: p.Val230Ile; replaces valine 230 with isoleucine.
Molecular consequence: missense variant.
Genome position (GRCh38, 1-based): chr4:127,656,641, G>A. VCF-style: chr4-127656641-G-A. GRCh37 (hg19) VCF-style: chr4-128577796-G-A.
Other names: short protein forms V230I.
Identifiers: ClinVar variation 2718736 (VCV002718736.3), dbSNP rs369166911, ClinGen allele CA3074865.